The following is an entry in ClinVar:

ClinVar aggregate classification (germline): Uncertain significance. Review status: criteria provided, multiple submitters, no conflicts (2 of 4 stars). 7 submissions from 7 submitters: Uncertain significance (6). 1 of the submissions does not count toward it. Last evaluated 2026-09-08.

Conditions:
GLA-related disorder. Also called: GLA-related condition.
Fabry disease. Also called: Fabry's disease; Angiokeratoma corporis diffusum; ALPHA-GALACTOSIDASE A DEFICIENCY; ANDERSON-FABRY DISEASE; CERAMIDE TRIHEXOSIDASE DEFICIENCY; GLA DEFICIENCY. Identifiers: Orphanet 324, MedGen C0002986, MONDO:0010526, OMIM 301500, HP:0001071. Disease mechanism: loss of function, Fabry disease is due to inactivating mutations in the X-linked GLA gene resulting in deficiency of the enzyme Alpha Galactosidase-A..

Submissions (7):

Genomenon, Inc
Classification: Uncertain significance for Fabry disease. Last evaluated: 2026-09-08. Review status: criteria provided, single submitter. Criteria: Genomenon Sequence Variant Interpretation Standards - Updated. Collection method: curation. Allele origin: germline. Affected: yes.
Comment: GLA p.Pro323Thr (c.967C>A) is a missense variant that changes the amino acid at codon 323 from Proline to Threonine. This variant has been observed in at least one proband with clinical features consistent with Fabry disease (PMID:31291414). Functional or patient cell studies have been reported (PMID:35870541). It is absent or not present at a significant frequency in gnomAD. In silico models predict that this variant is possibly or probably damaging. In conclusion, we classify GLA p.Pro323Thr (c.967C>A) as a variant of uncertain significance.

PreventionGenetics, part of Exact Sciences
Classification: Uncertain significance for GLA-related condition. Last evaluated: 2026-08-20. Review status: criteria provided, single submitter. Criteria: ACMG Guidelines, 2015. Collection method: clinical testing. Allele origin: germline.
Comment: The GLA c.967C>A variant is predicted to result in the amino acid substitution p.Pro323Thr. This variant has been reported in multiple individuals with hypertrophic cardiomyopathy and in an individual with Fabry disease (Chaves-Markman et al. 2019. PubMed ID: 31291414; Table 2. Varela-Calais et al. 2022. PubMed ID: 35870541). However in one of the studies, the result of functional study did not support that the p.Pro323Thr variant alone would have significant impact on GLA protein function (Varela-Calais et al. 2022. PubMed ID: 35870541). the This variant has not been reported in a large population database (gnomAD), indicating this variant is rare. At this time, the clinical significance of this variant is uncertain due to the absence of conclusive functional and genetic evidence.

Labcorp Genetics (formerly Invitae), Labcorp
Classification: Uncertain significance for Fabry disease. Last evaluated: 2025-12-25. Review status: criteria provided, single submitter. Criteria: Invitae Variant Classification Sherloc (09022015). Collection method: clinical testing. Allele origin: germline.
Comment: This sequence change replaces proline, which is neutral and non-polar, with threonine, which is neutral and polar, at codon 323 of the GLA protein (p.Pro323Thr). This variant is not present in population databases (gnomAD no frequency). This missense change has been observed in individual(s) with GLA-related conditions (PMID: 31291414, 35870541). ClinVar contains an entry for this variant (Variation ID: 222460). Invitae Evidence Modeling of protein sequence and biophysical properties (such as structural, functional, and spatial information, amino acid conservation, physicochemical variation, residue mobility, and thermodynamic stability) indicates that this missense variant is not expected to disrupt GLA protein function with a negative predictive value of 80%. Experimental studies are conflicting or provide insufficient evidence to determine the effect of this variant on GLA function (PMID: 35870541). In summary, the available evidence is currently insufficient to determine the role of this variant in disease. Therefore, it has been classified as a Variant of Uncertain Significance.

Genome-Nilou Lab
Classification: Uncertain significance for Fabry disease. Last evaluated: 2021-07-15. Review status: criteria provided, single submitter. Criteria: ACMG Guidelines, 2015. Collection method: clinical testing. Allele origin: germline. Affected: no.

Stanford Center for Inherited Cardiovascular Disease, Stanford University
Classification: Uncertain significance. Last evaluated: 2017-04-21. Review status: criteria provided, single submitter. Criteria: ACMG Guidelines, 2015. Collection method: provider interpretation. Allele origin: germline.

GeneDx
Classification: Uncertain significance. Last evaluated: 2016-04-20. Review status: criteria provided, single submitter. Criteria: GeneDx Variant Classification (06012015). Collection method: clinical testing. Allele origin: germline. Affected: yes.
Comment: The P323T variant has not been published as a pathogenic variant or been reported as a benign variant to our knowledge. This variant was not observed in approximately 6,500 individuals of European and African American ancestry in the NHLBI Exome Sequencing Project, indicating it is not a common benign variant in these populations. Missense variants in the same residue (P323R) and in nearby residues (N320I/K/Y, Q321E/H/L/R, D322H, G325D/S) have been reported in the Human Gene Mutation Database in association with Fabry disease (Stenson et al., 2014), supporting the functional importance of this residue and this region of the protein. The P323T variant is a non-conservative amino acid substitution, which is likely to impact secondary protein structure as these residues differ in polarity, charge, size and/or other properties. Nevertheless, this substitution occurs at a position that is not conserved. Consequently, in silico analysis is inconsistent in its predictions as to whether or not the variant is damaging to the protein structure/function.Therefore, based on the currently available information, it is unclear whether this variant is pathogenic or benign.

Natera, Inc.
Classification: Uncertain significance for Fabry disease. Last evaluated: 2021-02-19. Review status: no assertion criteria provided. Collection method: clinical testing. Allele origin: germline. Not counted in ClinVar's aggregate classification.

Literature cited by the submitters: PubMed 31291414 (cited by Genomenon, Inc and Labcorp Genetics (formerly Invitae), Labcorp); PubMed 35870541 (cited by Genomenon, Inc and Labcorp Genetics (formerly Invitae), Labcorp).

NM_000169.3(GLA):c.967C>A (p.Pro323Thr)

Genes: GLA (galactosidase alpha; minus strand), RPL36A-HNRNPH2 (RPL36A-HNRNPH2 readthrough; plus strand). Cytogenetic location: Xq22.1.
Variant type: single nucleotide variant.
Coding change: c.967C>A on transcript NM_000169.3 (MANE Select); coding-DNA position 967, C replaced by A.
Protein change: p.Pro323Thr; replaces proline 323 with threonine.
Molecular consequence: missense variant. On other transcripts: non-coding transcript variant (3), intron variant (2).
Genome position (GRCh38, 1-based): chrX:101,398,402, G>T on the plus strand (C>A on the coding strand, the complement: GLA is on the minus strand). VCF-style: chrX-101398402-G-T. GRCh37 (hg19) VCF-style: chrX-100653390-G-T.
Other names: c.1090C>A, p.Pro364Thr (NM_001406747.1); c.967C>A, p.Pro323Thr (NM_001406748.1); c.300+2945G>T (NM_001199973.2); c.177+6580G>T (NM_001199974.2); short protein forms P323T, P364T.
Identifiers: ClinVar variation 222460 (VCV000222460.21), dbSNP rs147737890, ClinGen allele CA352394.